The following is an entry in ClinVar:

ClinVar aggregate classification (germline): Uncertain significance. Review status: criteria provided, multiple submitters, no conflicts (2 of 4 stars). 6 submissions from 6 submitters: Uncertain significance (6). Last evaluated 2025-12-15.

Conditions:
Fanconi anemia complementation group J. Also called: BRIP1-Related Fanconi Anemia. Identifiers: Orphanet 84, MedGen C1836860, MONDO:0012187, OMIM 609054.
Hereditary cancer-predisposing syndrome. Also called: Hereditary neoplastic syndrome; Hereditary Cancer Syndrome; Neoplastic Syndromes, Hereditary; Tumor predisposition. Identifiers: Orphanet 140162, MedGen C0027672, MeSH D009386, MONDO:0015356.
Familial cancer of breast. Also called: hereditary breast carcinoma; Hereditary breast cancer; BREAST CANCER, FAMILIAL. Identifiers: Orphanet 227535, MedGen C0346153, MONDO:0016419, OMIM 114480. Disease mechanism: loss of function.

Allele frequency attached by ClinVar (database versions not stated): gnomAD exomes below 0.00001 and 0.00001; gnomAD 0.00001; TOPMed 0.00002.
gnomAD v4.1: 18 of 1,611,432 alleles (0.0011%); highest among the groups gnomAD compares: Non-Finnish European, 0.0015%; no homozygotes.

Submissions (6):

Labcorp Genetics (formerly Invitae), Labcorp
Classification: Uncertain significance for Familial cancer of breast; Fanconi anemia complementation group J. Last evaluated: 2025-12-15. Review status: criteria provided, single submitter. Criteria: Invitae Variant Classification Sherloc (09022015). Collection method: clinical testing. Allele origin: germline.
Comment: This sequence change replaces serine, which is neutral and polar, with proline, which is neutral and non-polar, at codon 625 of the BRIP1 protein (p.Ser625Pro). This variant is present in population databases (no rsID available, gnomAD 0.0009%). This variant has not been reported in the literature in individuals affected with BRIP1-related conditions. ClinVar contains an entry for this variant (Variation ID: 419290). Invitae Evidence Modeling of protein sequence and biophysical properties (such as structural, functional, and spatial information, amino acid conservation, physicochemical variation, residue mobility, and thermodynamic stability) has been performed for this missense variant. However, the output from this modeling did not meet the statistical confidence thresholds required to predict the impact of this variant on BRIP1 protein function. In summary, the available evidence is currently insufficient to determine the role of this variant in disease. Therefore, it has been classified as a Variant of Uncertain Significance.

Ambry Genetics
Classification: Uncertain significance for Hereditary cancer-predisposing syndrome. Last evaluated: 2025-04-06. Review status: criteria provided, single submitter. Criteria: Ambry Variant Classification Scheme 2023. Collection method: clinical testing. Allele origin: germline.
Comment: The p.S625P variant (also known as c.1873T>C), located in coding exon 12 of the BRIP1 gene, results from a T to C substitution at nucleotide position 1873. The serine at codon 625 is replaced by proline, an amino acid with similar properties. This amino acid position is highly conserved in available vertebrate species. In addition, this alteration is predicted to be deleterious by in silico analysis. Since supporting evidence is limited at this time, the clinical significance of this alteration remains unclear.

Color Diagnostics, LLC DBA Color Health
Classification: Uncertain significance for Hereditary cancer-predisposing syndrome. Last evaluated: 2024-03-06. Review status: criteria provided, single submitter. Criteria: ACMG Guidelines, 2015. Collection method: clinical testing. Allele origin: germline.
Comment: This missense variant replaces serine with proline at codon 625 of the BRIP1 protein. Computational prediction suggests that this variant may not impact protein structure and function (internally defined REVEL score threshold <= 0.5, PMID: 27666373). To our knowledge, functional studies have not been reported for this variant. This variant has not been reported in individuals affected with BRIP1-related disorders in the literature. This variant has been identified in 1/251450 chromosomes in the general population by the Genome Aggregation Database (gnomAD). The available evidence is insufficient to determine the role of this variant in disease conclusively. Therefore, this variant is classified as a Variant of Uncertain Significance.

ARUP Laboratories, Molecular Genetics and Genomics, ARUP Laboratories
Classification: Uncertain significance for Fanconi anemia complementation group J. Last evaluated: 2019-06-06. Review status: criteria provided, single submitter. Criteria: ARUP Molecular Germline Variant Investigation Process. Collection method: clinical testing. Allele origin: germline.
Comment: The BRIP1 c.1873T>C; p.Ser625Pro variant (rs935011040), to our knowledge, is not reported in the medical literature but is reported in ClinVar (Variation ID: 419290). This variant is only observed on one allele in the Genome Aggregation Database, indicating it is not a common polymorphism. The serine at codon 625 is highly conserved, and computational analyses (SIFT, PolyPhen-2) predict that this variant is deleterious. However, given the lack of clinical and functional data, the significance of this variant is uncertain at this time.

Quest Diagnostics Nichols Institute San Juan Capistrano
Classification: Uncertain significance. Last evaluated: 2018-04-11. Review status: criteria provided, single submitter. Criteria: Quest Diagnostics criteria. Collection method: clinical testing. Allele origin: germline.

GeneDx
Classification: Uncertain significance. Last evaluated: 2015-06-25. Review status: criteria provided, single submitter. Criteria: GeneDx Variant Classification (06012015). Collection method: clinical testing. Allele origin: germline. Affected: yes.
Comment: This variant is denoted BRIP1 c.1873T>C at the cDNA level, p.Ser625Pro (S625P) at the protein level, and results in the change of a Serine to a Proline (TCA>CCA). This variant has not, to our knowledge, been published in the literature as pathogenic or benign. BRIP1 Ser625Pro was not observed in approximately 6,500 individuals of European and African American ancestry in the NHLBI Exome Sequencing Project, indicating it is not a common benign variant in these populations. Since Serine and Proline differ in polarity, charge, size or other properties, this is considered a non-conservative amino acid substitution. BRIP1 Ser625Pro occurs at a position that is conserved across species and is located in the helicase domain (Cantor 2011). In silico analyses predict that this variant is probably damaging to protein structure and function. Based on currently available information, it is unclear whether BRIP1 Ser625Pro is pathogenic or benign. We consider it to be a variant of uncertain significance.

NM_032043.3(BRIP1):c.1873T>C (p.Ser625Pro)

Gene: BRIP1 (BRCA1 interacting DNA helicase 1; minus strand). Cytogenetic location: 17q23.2.
Variant type: single nucleotide variant.
Coding change: c.1873T>C on transcript NM_032043.3 (MANE Select); coding-DNA position 1873, T replaced by C.
Protein change: p.Ser625Pro; replaces serine 625 with proline.
Molecular consequence: missense variant.
Genome position (GRCh38, 1-based): chr17:61,780,323, A>G on the plus strand (T>C on the coding strand, the complement: BRIP1 is on the minus strand). VCF-style: chr17-61780323-A-G. GRCh37 (hg19) VCF-style: chr17-59857684-A-G.
Other names: short protein forms S625P.
Identifiers: ClinVar variation 419290 (VCV000419290.30), dbSNP rs935011040, ClinGen allele CA16620527.